The following is an entry in ClinVar:

NM_020778.5(ALPK3):c.4159G>A (p.Val1387Met)

Gene: ALPK3 (alpha kinase 3; plus strand). Cytogenetic location: 15q25.3.
Variant type: single nucleotide variant.
Coding change: c.4159G>A on transcript NM_020778.5 (MANE Select); coding-DNA position 4159, G replaced by A.
Protein change: p.Val1387Met; replaces valine 1387 with methionine.
Molecular consequence: missense variant.
Genome position (GRCh38, 1-based): chr15:84,862,664, G>A. VCF-style: chr15-84862664-G-A. GRCh37 (hg19) VCF-style: chr15-85405895-G-A.
Other names: short protein forms V1387M.
Identifiers: ClinVar variation 2126216 (VCV002126216.4), dbSNP rs2505727285, ClinGen allele CA393362629.

ClinVar aggregate classification (germline): Uncertain significance (1 of 4 stars; one submission).

Submission:

Labcorp Genetics (formerly Invitae), Labcorp
Classification: Uncertain significance. Last evaluated: 2022-04-15. Review status: criteria provided, single submitter. Criteria: Invitae Variant Classification Sherloc (09022015). Collection method: clinical testing. Allele origin: germline.
Comment: This sequence change replaces valine, which is neutral and non-polar, with methionine, which is neutral and non-polar, at codon 1589 of the ALPK3 protein (p.Val1589Met). In summary, the available evidence is currently insufficient to determine the role of this variant in disease. Therefore, it has been classified as a Variant of Uncertain Significance. Algorithms developed to predict the effect of missense changes on protein structure and function are either unavailable or do not agree on the potential impact of this missense change (SIFT: "Deleterious"; PolyPhen-2: "Probably Damaging"; Align-GVGD: "Class C0"). This variant has not been reported in the literature in individuals affected with ALPK3-related conditions. This variant is not present in population databases (gnomAD no frequency).